The following is an entry in ClinVar:

NM_006766.5(KAT6A):c.1134A>G (p.Ser378=)

Gene: KAT6A (lysine acetyltransferase 6A; minus strand). Cytogenetic location: 8p11.21.
Variant type: single nucleotide variant.
Coding change: c.1134A>G on transcript NM_006766.5 (MANE Select); coding-DNA position 1134, A replaced by G.
Protein change: p.Ser378=; no amino-acid change (serine 378 retained).
Molecular consequence: synonymous variant.
Genome position (GRCh38, 1-based): chr8:41,977,237, T>C on the plus strand (A>G on the coding strand, the complement: KAT6A is on the minus strand). VCF-style: chr8-41977237-T-C. GRCh37 (hg19) VCF-style: chr8-41834755-T-C.
Other names: c.1134A>G, p.Ser378= (NM_001305878.2); c.1134A>G (NM_006766.4).
Identifiers: ClinVar variation 589524 (VCV000589524.37), dbSNP rs147952562, ClinGen allele CA4730234.

ClinVar aggregate classification (germline): Benign/Likely benign. Review status: criteria provided, multiple submitters, no conflicts (2 of 4 stars). 5 submissions from 5 submitters: Benign (1); Likely benign (3). 1 of the submissions does not count toward it. Last evaluated 2026-01-18.

Conditions:
KAT6A-related disorder. Also called: KAT6A-related condition.
Inborn genetic diseases. Identifiers: MedGen C0950123, MeSH D030342.

Allele frequency attached by ClinVar (database versions not stated): gnomAD exomes 0.00013; ExAC 0.00016; 1000 Genomes Project 0.00040; 1000 Genomes Project 30x 0.00062; gnomAD 0.00072 and 0.00081; ESP Exome Variant Server 0.00077; TOPMed 0.00096.
gnomAD v4.1: 230 of 1,614,202 alleles (0.014%); highest among the groups gnomAD compares: African/African-American, 0.27%; no homozygotes.

Submissions (5):

Labcorp Genetics (formerly Invitae), Labcorp
Classification: Likely benign. Last evaluated: 2026-01-18. Review status: criteria provided, single submitter. Criteria: Invitae Variant Classification Sherloc (09022015). Collection method: clinical testing. Allele origin: germline.

CeGaT Center for Human Genetics Tuebingen
Classification: Likely benign. Last evaluated: 2023-12-01. Review status: criteria provided, single submitter. Criteria: CeGaT Center For Human Genetics Tuebingen Variant Classification Criteria Version 2. Collection method: clinical testing. Allele origin: germline. Affected: yes. Observed: 1 variant allele.
Comment: KAT6A: BP4, BP7, BS1

GeneDx
Classification: Benign. Last evaluated: 2021-07-22. Review status: criteria provided, single submitter. Criteria: GeneDx Variant Classification Process June 2021. Collection method: clinical testing. Allele origin: germline. Affected: yes.
Comment: This variant is associated with the following publications: (PMID: 27535533)

Ambry Genetics
Classification: Likely benign for Inborn genetic diseases. Last evaluated: 2017-01-31. Review status: criteria provided, single submitter. Criteria: Ambry Variant Classification Scheme 2023. Collection method: clinical testing. Allele origin: germline.

PreventionGenetics, part of Exact Sciences
Classification: Likely benign for KAT6A-related condition. Last evaluated: 2024-02-15. Review status: no assertion criteria provided. Collection method: clinical testing. Allele origin: germline. Not counted in ClinVar's aggregate classification.
Comment: This variant is classified as likely benign based on ACMG/AMP sequence variant interpretation guidelines (Richards et al. 2015 PMID: 25741868, with internal and published modifications).